The following is an entry in ClinVar:

ClinVar aggregate classification (germline): Uncertain significance (1 of 4 stars; one submission).

Submission:

GeneDx
Classification: Uncertain significance. Last evaluated: 2022-07-21. Review status: criteria provided, single submitter. Criteria: GeneDx Variant Classification Process June 2021. Collection method: clinical testing. Allele origin: germline. Affected: yes.
Comment: Not observed at significant frequency in large population cohorts (gnomAD); In-frame deletion of 2 amino acids in a non-repeat region; In silico analysis supports a deleterious effect on protein structure/function; Has not been previously published as pathogenic or benign to our knowledge

NM_057175.5(NAA15):c.1264_1269del (p.Gly422_Asn423del)

Gene: NAA15 (N-alpha-acetyltransferase 15, NatA auxiliary subunit; plus strand). Cytogenetic location: 4q31.1.
Variant type: Deletion.
Coding change: c.1264_1269del on transcript NM_057175.5 (MANE Select); coding-DNA positions 1264 to 1269, 6 bases deleted (GGAAAT; older notation c.1264_1269delGGAAAT).
Protein change: p.Gly422_Asn423del.
Molecular consequence: inframe deletion. On other transcripts: inframe indel (2).
Genome position (GRCh38, 1-based): chr4:139,359,749-139,359,754, GGAAAT deleted; deleting any 6 consecutive bases within chr4:139,359,748-139,359,754 gives the same sequence; the c. name uses the placement nearest the transcript's 3' end. VCF-style (leftmost placement, unchanged base first): chr4-139359747-CTGGAAA-C. GRCh37 (hg19) VCF-style: chr4-140280901-CTGGAAA-C.
Other names: c.1264_1269delGGAAAT, p.Gly422_Asn423del (NM_001410842.1, NM_025085.2).
Identifiers: ClinVar variation 2136265 (VCV002136265.1), dbSNP rs2530417096, ClinGen allele CA2580071553.